The following is an entry in ClinVar:

NM_001365999.1(SZT2):c.2363C>G (p.Ser788Ter)

Gene: SZT2 (SZT2 subunit of KICSTOR complex; plus strand). Cytogenetic location: 1p34.2.
Variant type: single nucleotide variant.
Coding change: c.2363C>G on transcript NM_001365999.1 (MANE Select); coding-DNA position 2363, C replaced by G.
Protein change: p.Ser788Ter; replaces serine 788 with a stop codon.
Molecular consequence: nonsense.
Genome position (GRCh38, 1-based): chr1:43,424,324, C>G. VCF-style: chr1-43424324-C-G. GRCh37 (hg19) VCF-style: chr1-43889995-C-G.
Other names: c.2363C>G, p.Ser788Ter (NM_015284.4); short protein forms S788*.
Identifiers: ClinVar variation 430047 (VCV000430047.15), dbSNP rs769366055, ClinGen allele CA808676.
Genomic context (GRCh38, chr1:43,424,324, plus strand): 5'-TGGAGCCACCAGGTCCACTGCCCTTGGTGTCAGGCCGCTCAGCCTCTTCTAGCCTGGCGT[C>G]ACTGTCCCGCTACCTCTACCATCAGCGCTGGCTTTGGAGTGTCCCGTCAGGACTGGCCCC-3'

ClinVar aggregate classification (germline): Pathogenic/Likely pathogenic. Review status: criteria provided, multiple submitters, no conflicts (2 of 4 stars). 4 submissions from 4 submitters: Pathogenic (2); Likely pathogenic (2). Last evaluated 2026-09-25.

Conditions:
Developmental and epileptic encephalopathy, 18 (DEE18). Also called: Early infantile epileptic encephalopathy 18. Identifiers: Orphanet 369894, MedGen C3809624, MONDO:0014201, OMIM 615476.

Allele frequency attached by ClinVar (database versions not stated): TOPMed 0.00001; gnomAD exomes below 0.00001; ExAC 0.00001; gnomAD 0.00002.
gnomAD v4.1: 6 of 1,597,992 alleles (0.00038%); highest among the groups gnomAD compares: Non-Finnish European, 0.00042%; no homozygotes.

Submissions (4):

GeneDx
Classification: Pathogenic. Last evaluated: 2026-09-25. Review status: criteria provided, single submitter. Criteria: GeneDx Variant Classification Process June 2021. Collection method: clinical testing. Allele origin: germline.
Comment: Reported in heterozygous state in an individual with epilepsy, however detailed clinical information was not provided (PMID: 31440721); Nonsense variant predicted to result in protein truncation or nonsense mediated decay in a gene for which loss of function is a known mechanism of disease; Not observed at significant frequency in large population cohorts (gnomAD); This variant is associated with the following publications: (PMID: 31440721)

Genome-Nilou Lab
Classification: Likely pathogenic for Developmental and epileptic encephalopathy, 18. Last evaluated: 2023-04-11. Review status: criteria provided, single submitter. Criteria: ACMG Guidelines, 2015. Collection method: clinical testing. Allele origin: germline. Affected: no.

Labcorp Genetics (formerly Invitae), Labcorp
Classification: Pathogenic. Last evaluated: 2023-03-30. Review status: criteria provided, single submitter. Criteria: Invitae Variant Classification Sherloc (09022015). Collection method: clinical testing. Allele origin: germline.
Comment: ClinVar contains an entry for this variant (Variation ID: 430047). For these reasons, this variant has been classified as Pathogenic. This sequence change creates a premature translational stop signal (p.Ser788*) in the SZT2 gene. It is expected to result in an absent or disrupted protein product. Loss-of-function variants in SZT2 are known to be pathogenic (PMID: 23932106, 27248490, 28556953). This variant is present in population databases (rs769366055, gnomAD 0.002%). This variant has not been reported in the literature in individuals affected with SZT2-related conditions.

Revvity Omics, Revvity
Classification: Likely pathogenic for Developmental and epileptic encephalopathy, 18. Last evaluated: 2022-08-24. Review status: criteria provided, single submitter. Criteria: ACMG Guidelines, 2015. Collection method: clinical testing. Allele origin: germline.

Literature cited by the submitters: PubMed 23932106 (cited by Labcorp Genetics (formerly Invitae), Labcorp); PubMed 27248490 (cited by Labcorp Genetics (formerly Invitae), Labcorp); PubMed 28556953 (cited by Labcorp Genetics (formerly Invitae), Labcorp).